The following is an entry in ClinVar:

NM_003924.4(PHOX2B):c.830C>G (p.Pro277Arg)

Gene: PHOX2B (paired like homeobox 2B; minus strand). Cytogenetic location: 4p13.
Variant type: single nucleotide variant.
Coding change: c.830C>G on transcript NM_003924.4 (MANE Select); coding-DNA position 830, C replaced by G.
Protein change: p.Pro277Arg; replaces proline 277 with arginine.
Molecular consequence: missense variant.
Genome position (GRCh38, 1-based): chr4:41,745,922, G>C on the plus strand (C>G on the coding strand, the complement: PHOX2B is on the minus strand). VCF-style: chr4-41745922-G-C. GRCh37 (hg19) VCF-style: chr4-41747939-G-C.
Other names: short protein forms P277R.
Identifiers: ClinVar variation 3223602 (VCV003223602.1), dbSNP rs1733871030, ClinGen allele CA356737055.

ClinVar aggregate classification (germline): Uncertain significance (1 of 4 stars; one submission).

Conditions:
Hereditary cancer-predisposing syndrome. Also called: Tumor predisposition; Hereditary neoplastic syndrome; Hereditary Cancer Syndrome; Neoplastic Syndromes, Hereditary. Identifiers: Orphanet 140162, MedGen C0027672, MeSH D009386, MONDO:0015356.

Allele frequency attached by ClinVar (database versions not stated): gnomAD exomes below 0.00001.

Submission:

Ambry Genetics
Classification: Uncertain significance for Hereditary cancer-predisposing syndrome. Last evaluated: 2024-02-01. Review status: criteria provided, single submitter. Criteria: Ambry Variant Classification Scheme 2023. Collection method: clinical testing. Allele origin: germline.
Comment: The p.P277R variant (also known as c.830C>G), located in coding exon 3 of the PHOX2B gene, results from a C to G substitution at nucleotide position 830. The proline at codon 277 is replaced by arginine, an amino acid with dissimilar properties. This amino acid position is conserved. In addition, the in silico prediction for this alteration is inconclusive. Based on the available evidence, the clinical significance of this alteration remains unclear.